The following is an entry in ClinVar:

NM_001378457.1(DMXL2):c.3130G>A (p.Glu1044Lys)

Gene: DMXL2 (Dmx like 2; minus strand). Cytogenetic location: 15q21.2.
Variant type: single nucleotide variant.
Coding change: c.3130G>A on transcript NM_001378457.1 (MANE Select); coding-DNA position 3130, G replaced by A.
Protein change: p.Glu1044Lys; replaces glutamic acid 1044 with lysine.
Molecular consequence: missense variant. On other transcripts: non-coding transcript variant (2), intron variant (2).
Genome position (GRCh38, 1-based): chr15:51,500,094, C>T on the plus strand (G>A on the coding strand, the complement: DMXL2 is on the minus strand). VCF-style: chr15-51500094-C-T. GRCh37 (hg19) VCF-style: chr15-51792291-C-T.
Other names: c.3130G>A, p.Glu1044Lys (NM_001174116.3, NM_001378458.1, NM_001378459.1 and 4 more transcripts); c.2890G>A, p.Glu964Lys (NM_001378464.1); c.2764+7040G>A (NM_001378460.1); c.2765-4960G>A (NM_001174117.3); short protein forms E1044K, E964K.
Identifiers: ClinVar variation 1934771 (VCV001934771.2), dbSNP rs1470029284, ClinGen allele CA392437618.

ClinVar aggregate classification (germline): Uncertain significance (1 of 4 stars; one submission).

Allele frequency attached by ClinVar (database versions not stated): gnomAD exomes below 0.00001; TOPMed below 0.00001; gnomAD 0.00001.
gnomAD v4.1: 3 of 1,614,050 alleles (0.00019%); highest among the groups gnomAD compares: Admixed American, 0.0033%; no homozygotes.

Submission:

Labcorp Genetics (formerly Invitae), Labcorp
Classification: Uncertain significance. Last evaluated: 2022-07-23. Review status: criteria provided, single submitter. Criteria: Invitae Variant Classification Sherloc (09022015). Collection method: clinical testing. Allele origin: germline.
Comment: This sequence change replaces glutamic acid, which is acidic and polar, with lysine, which is basic and polar, at codon 1044 of the DMXL2 protein (p.Glu1044Lys). This variant is present in population databases (no rsID available, gnomAD 0.01%). This variant has not been reported in the literature in individuals affected with DMXL2-related conditions. Algorithms developed to predict the effect of missense changes on protein structure and function (SIFT, PolyPhen-2, Align-GVGD) all suggest that this variant is likely to be tolerated. In summary, the available evidence is currently insufficient to determine the role of this variant in disease. Therefore, it has been classified as a Variant of Uncertain Significance.